The following is an entry in ClinVar:

ClinVar aggregate classification (germline): Benign/Likely benign. Review status: criteria provided, multiple submitters, no conflicts (2 of 4 stars). 2 submissions from 2 submitters: Benign (1); Likely benign (1). Last evaluated 2024-11-25.

Conditions:
Polycystic kidney disease, adult type (PKD1). Also called: Polycystic Kidney, Autosomal Dominant; POLYCYSTIC KIDNEY DISEASE 1 WITH OR WITHOUT POLYCYSTIC LIVER DISEASE; Polycystic Kidney Disease 1, Autosomal Dominant; Polycystic kidney disease 1; Polycystic kidney disease 1, severe; POLYCYSTIC KIDNEY DISEASE, ADULT, TYPE I. Identifiers: MedGen C3149841, MONDO:0008263, OMIM 173900.
Hereditary spastic paraplegia 2 (SPG2). Also called: Spastic Paraplegia 2 (SPG2); SPASTIC PARAPLEGIA 2, X-LINKED. Identifiers: Orphanet 99015, MedGen C0751604, MONDO:0010733, OMIM 312920.

Allele frequency attached by ClinVar (database versions not stated): gnomAD 0.00003; gnomAD exomes 0.00004; ExAC 0.00018; 1000 Genomes Project 0.00079; 1000 Genomes Project 30x 0.00104.
gnomAD v4.1: 49 of 1,206,518 alleles (0.0041%); highest among the groups gnomAD compares: South Asian, 0.083%; no homozygotes.

Submissions (2):

Johns Hopkins Genomics, Johns Hopkins University
Classification: Likely benign for Polycystic kidney disease, adult type. Last evaluated: 2024-11-25. Review status: criteria provided, single submitter. Criteria: ACMG Guidelines, 2015. Collection method: clinical testing. Allele origin: germline.
Comment: This variant is classified as likely benign (PP3, BS1_supporting, BS2).

Labcorp Genetics (formerly Invitae), Labcorp
Classification: Benign for Hereditary spastic paraplegia 2. Last evaluated: 2023-11-10. Review status: criteria provided, single submitter. Criteria: Invitae Variant Classification Sherloc (09022015). Collection method: clinical testing. Allele origin: germline.

Literature cited by the submitters: PubMed 12297985 (cited by Johns Hopkins Genomics, Johns Hopkins University); PubMed 3457761 (cited by Johns Hopkins Genomics, Johns Hopkins University); PubMed 38277958 (cited by Johns Hopkins Genomics, Johns Hopkins University).

NM_000533.5(PLP1):c.460G>A (p.Gly154Ser)

Genes: PLP1 (proteolipid protein 1; plus strand), RAB9B (RAB9B, member RAS oncogene family; minus strand). Cytogenetic location: Xq22.2.
Variant type: single nucleotide variant.
Coding change: c.460G>A on transcript NM_000533.5 (MANE Select); coding-DNA position 460, G replaced by A.
Protein change: p.Gly154Ser; replaces glycine 154 with serine.
Molecular consequence: missense variant.
Genome position (GRCh38, 1-based): chrX:103,787,804, G>A. VCF-style: chrX-103787804-G-A. GRCh37 (hg19) VCF-style: chrX-103042733-G-A.
Other names: c.460G>A, p.Gly154Ser (NM_001128834.3); c.295G>A, p.Gly99Ser (NM_001305004.1); c.355G>A, p.Gly119Ser (NM_199478.3); c.460G>A (NM_000533.4); short protein forms G154S, G119S, G99S.
Identifiers: ClinVar variation 2716414 (VCV002716414.4), dbSNP rs746502580, ClinGen allele CA10478979.